The following is an entry in ClinVar:

NM_000257.4(MYH7):c.1816G>A (p.Val606Met)

Gene: MYH7 (myosin heavy chain 7; minus strand). Cytogenetic location: 14q11.2.
Variant type: single nucleotide variant.
Coding change: c.1816G>A on transcript NM_000257.4 (MANE Select); coding-DNA position 1816, G replaced by A.
Protein change: p.Val606Met; replaces valine 606 with methionine.
Molecular consequence: missense variant.
Genome position (GRCh38, 1-based): chr14:23,427,657, C>T on the plus strand (G>A on the coding strand, the complement: MYH7 is on the minus strand). VCF-style: chr14-23427657-C-T. GRCh37 (hg19) VCF-style: chr14-23896866-C-T.
Other names: p.V606M:GTG>ATG; short protein forms V606M.
Identifiers: ClinVar variation 14091 (VCV000014091.90), dbSNP rs121913627, ClinGen allele CA011311.
Genomic context (GRCh38, chr14:23,427,657, plus strand): 5'-CAGCATAGTTGGCAAACAGGGTGCTGAGCAGCTTGAGGGAAGACTTCTGATACAAGCCCA[C>T]GACAGTCTCATTGAGAGGATCCTTGTTCTTCTGCAGCCAGCCAATGATGTTGTAGTCCAC-3'
Protein context (NP_000248.2, residues 596-616): KNKDPLNETV[Val606Met]GLYQKSSLKL

ClinVar aggregate classification (germline): Pathogenic. Review status: criteria provided, multiple submitters, no conflicts (2 of 4 stars). 33 submissions from 28 submitters: Pathogenic (25). 8 of the submissions do not count toward it. Last evaluated 2026-01-09.

Conditions:
MYH7-related disorder. Also called: MYH7-related disorders; MYH7-related condition; MYH7-related disease.
Myosin storage myopathy (CMYO7A). Also called: MYOPATHY WITH LYSIS OF TYPE I MYOFIBRILS; MYOPATHY, HYALINE BODY, AUTOSOMAL DOMINANT; SCAPULOPERONEAL MUSCULAR DYSTROPHY; SCAPULOPERONEAL SYNDROME, MYOPATHIC TYPE; MYH7-related late-onset scapuloperoneal muscular dystrophy; Congenital myopathy 7A, myosin storage, autosomal dominant. Identifiers: Orphanet 437572, Orphanet 636965, MedGen C1842160, MONDO:0008409, OMIM 608358.
Cardiovascular phenotype. Identifiers: MedGen CN230736.
Cardiomyopathy (CMYO). Also called: Cardiomyopathies. Identifiers: Orphanet 167848, MedGen C0878544, MONDO:0004994, HP:0001638. Inheritance: Various modes of inheritance.
Myopathy, myosin storage, autosomal recessive (CMYO7B). Also called: CONGENITAL MYOPATHY 7B, MYOSIN STORAGE, AUTOSOMAL RECESSIVE. Identifiers: Orphanet 636970, MedGen C1850709, MONDO:0009708, OMIM 255160.
MYH7-related skeletal myopathy. Also called: Myopathy, distal, 1; Laing early-onset distal myopathy; Laing distal myopathy; MYOPATHY, DISTAL, EARLY-ONSET, AUTOSOMAL DOMINANT; MYOPATHY, LATE DISTAL HEREDITARY. Identifiers: Orphanet 59135, MedGen C4552004, MONDO:0008050, OMIM 160500.
Hypertrophic cardiomyopathy 1 (CMH1). Also called: MYH7-Related Familial Hypertrophic Cardiomyopathy; Familial hypertrophic cardiomyopathy 1. Identifiers: MedGen C3495498, MONDO:0008647, OMIM 192600.
Dilated cardiomyopathy 1S (CMD1S). Identifiers: Orphanet 154, Orphanet 54260, MedGen C1834481, MONDO:0013262, OMIM 613426.
Primary familial hypertrophic cardiomyopathy (HCM). Identifiers: Orphanet 99739, MedGen C0949658, MeSH D024741, MONDO:0024573. Inheritance: Various modes of inheritance.
Hypertrophic cardiomyopathy. Also called: HYPERTROPHIC MYOCARDIOPATHY. Identifiers: Orphanet 217569, MedGen C0007194, MeSH D002312, MONDO:0005045, HP:0001639.

Allele frequency attached by ClinVar (database versions not stated): gnomAD 0.00001; TOPMed 0.00001; gnomAD exomes below 0.00001.
gnomAD v4.1: 8 of 1,614,060 alleles (0.0005%); highest among the groups gnomAD compares: Non-Finnish European, 0.00051%; no homozygotes.

Submissions 1 to 14 of 33:

Labcorp Genetics (formerly Invitae), Labcorp
Classification: Pathogenic for Hypertrophic cardiomyopathy. Last evaluated: 2026-01-09. Review status: criteria provided, single submitter. Criteria: Invitae Variant Classification Sherloc (09022015). Collection method: clinical testing. Allele origin: germline.
Comment: This sequence change replaces valine, which is neutral and non-polar, with methionine, which is neutral and non-polar, at codon 606 of the MYH7 protein (p.Val606Met). This variant is present in population databases (rs121913627, gnomAD 0.007%). This missense change has been observed in individuals with hypertrophic cardiomyopathy (PMID: 1552912, 9271024, 11133230, 11377367, 15858117, 20624503, 20819418, 24111713). It has also been observed to segregate with disease in related individuals. ClinVar contains an entry for this variant (Variation ID: 14091). Invitae Evidence Modeling of protein sequence and biophysical properties (such as structural, functional, and spatial information, amino acid conservation, physicochemical variation, residue mobility, and thermodynamic stability) indicates that this missense variant is expected to disrupt MYH7 protein function with a positive predictive value of 95%. Experimental studies have shown that this missense change affects MYH7 function (PMID: 9172070, 9826622, 18020371, 21769673, 24829265). For these reasons, this variant has been classified as Pathogenic.

Dasa
Classification: Pathogenic. Last evaluated: 2026-01-02. Review status: criteria provided, single submitter. Criteria: DASA Assertion Criteria. Collection method: clinical testing. Allele origin: germline.
Comment: NM_000257.4(MYH7):c.1816G>A (p.Val606Met) is a missense variant that results in the substitution of valine with methionine. The affected residue or protein region has prior evidence supporting clinical relevance. Functional evidence supports a deleterious effect on the gene or gene product (PMID: 1552912; PMID: 24111713; PMID: 21769673; PMID: 9826622; PMID: 9172070). This variant has been recurrently observed in individuals with related phenotype (PMID: 1552912; PMID: 24111713; PMID: 21769673; PMID: 9826622; PMID: 9172070). Multiple computational predictions support a deleterious effect on the gene or gene product. The variant is present at low frequency in population datasets. Based on the available data, this variant is classified as pathogenic.

Ambry Genetics
Classification: Pathogenic for Cardiovascular phenotype. Last evaluated: 2025-11-18. Review status: criteria provided, single submitter. Criteria: Ambry Variant Classification Scheme 2023. Collection method: clinical testing. Allele origin: germline.
Comment: The p.V606M pathogenic mutation (also known as c.1816G>A), located in coding exon 14 of the MYH7 gene, results from a G to A substitution at nucleotide position 1816. The valine at codon 606 is replaced by methionine, an amino acid with highly similar properties. This alteration is located in the myosin head domain, which contains a statistically significant clustering of pathogenic missense variants (Homburger JR et al. Proc Natl Acad Sci U S A, 2016 06;113:6701-6; Walsh R et al. Genet Med, 2017 02;19:192-203; Ambry internal data). This variant was identified in one or more individuals with features consistent with hypertrophic cardiomyopathy and segregated with disease in at least one family (Watkins H et al. N. Engl. J. Med.1992;326:1108-1114; Berge KE et al. Clin Genet. 2014;86(4):355-60; Bagnall RD et al. J Am Col Cardiol. 2018;72(4):419-429; J&auml;&auml;skel&auml;inen P. ESC Heart Fail. 2019 Feb). This amino acid position is highly conserved in available vertebrate species. This alteration is predicted to be deleterious by in silico analysis. Based on the supporting evidence, this variant is interpreted as a disease-causing mutation.

Institute of Human Genetics, University of Leipzig Medical Center
Classification: Pathogenic for Hypertrophic cardiomyopathy 1. Last evaluated: 2025-03-04. Review status: criteria provided, single submitter. Criteria: ACMG Guidelines, 2015. Collection method: clinical testing. Allele origin: unknown. Inheritance: Autosomal dominant inheritance. Affected: yes.
Comment: Criteria applied: PS4,PS3_MOD,PM1,PM5,PM2_SUP,PP3

Laboratory of Genetics, Children's Clinical University Hospital Latvia
Classification: Pathogenic. Last evaluated: 2025-02-16. Review status: criteria provided, single submitter. Criteria: ACMG Guidelines, 2015. Collection method: clinical testing. Allele origin: germline. Affected: yes.

Blueprint Genetics
Classification: Pathogenic for MYH7-related disorders. Last evaluated: 2024-07-04. Review status: criteria provided, single submitter. Criteria: ACMG Guidelines, 2015. Collection method: clinical testing. Allele origin: germline. Affected: yes. Observed: 5 variant alleles.

Clinical Center for Gene Diagnosis and Therapy, Department of Cardiovascular Surgery, The Second Xiangya Hospital of Central South University
Classification: Pathogenic for Primary familial hypertrophic cardiomyopathy. Last evaluated: 2023-06-01. Review status: criteria provided, single submitter. Criteria: ACMG Guidelines, 2015. Collection method: clinical testing. Allele origin: germline. Affected: yes.

CeGaT Center for Human Genetics Tuebingen
Classification: Pathogenic. Last evaluated: 2023-05-01. Review status: criteria provided, single submitter. Criteria: CeGaT Center For Human Genetics Tuebingen Variant Classification Criteria Version 2. Collection method: clinical testing. Allele origin: germline. Affected: yes. Observed: 2 variant alleles.
Comment: MYH7: PP1:Strong, PM2, PM5, PS4:Moderate, PP2, PS3:Supporting

Baylor Genetics
Classification: Pathogenic for Myosin storage myopathy. Last evaluated: 2022-04-27. Review status: criteria provided, single submitter. Criteria: ACMG Guidelines, 2015. Collection method: clinical testing. Allele origin: unknown.

Baylor Genetics
Classification: Pathogenic for Dilated cardiomyopathy 1S. Last evaluated: 2022-04-27. Review status: criteria provided, single submitter. Criteria: ACMG Guidelines, 2015. Collection method: clinical testing. Allele origin: unknown.

Baylor Genetics
Classification: Pathogenic for MYH7-related skeletal myopathy. Last evaluated: 2022-04-27. Review status: criteria provided, single submitter. Criteria: ACMG Guidelines, 2015. Collection method: clinical testing. Allele origin: unknown.

Baylor Genetics
Classification: Pathogenic for Myopathy, myosin storage, autosomal recessive. Last evaluated: 2022-04-27. Review status: criteria provided, single submitter. Criteria: ACMG Guidelines, 2015. Collection method: clinical testing. Allele origin: unknown.

Baylor Genetics
Classification: Pathogenic for Hypertrophic cardiomyopathy 1. Last evaluated: 2022-04-27. Review status: criteria provided, single submitter. Criteria: ACMG Guidelines, 2015. Collection method: clinical testing. Allele origin: unknown.

GeneDx
Classification: Pathogenic. Last evaluated: 2022-04-04. Review status: criteria provided, single submitter. Criteria: GeneDx Variant Classification Process June 2021. Collection method: clinical testing. Allele origin: germline. Affected: yes.
Comment: Not observed at a significant frequency in large population cohorts (gnomAD); In silico analysis supports that this missense variant has a deleterious effect on protein structure/function; This variant is associated with the following publications: (PMID: 24093860, 18403758, 27247418, 25351510, 20624503, 30775854, 24829265, 21769673, 19100006, 11377367, 1552912, 27483260, 9826622, 21310275, 27532257, 29101517, 7789380, 11133230, 20819418, 28971120, 30025578, 17383184, 15858117, 8981935, 30554920, 29398688, 31513939, 31996869, 32217077, 32344918, 31983222, 31737537, 12707239, 8281650, 31589614, 33673806, 32894683, 9172070, 29300372)